The following is an entry in ClinVar:

NM_005901.6(SMAD2):c.504G>C (p.Gln168His)

Gene: SMAD2 (SMAD family member 2; minus strand). Cytogenetic location: 18q21.1.
Variant type: single nucleotide variant.
Coding change: c.504G>C on transcript NM_005901.6 (MANE Select); coding-DNA position 504, G replaced by C.
Protein change: p.Gln168His; replaces glutamine 168 with histidine.
Molecular consequence: missense variant.
Genome position (GRCh38, 1-based): chr18:47,869,259, C>G on the plus strand (G>C on the coding strand, the complement: SMAD2 is on the minus strand). VCF-style: chr18-47869259-C-G. GRCh37 (hg19) VCF-style: chr18-45395630-C-G.
Other names: c.504G>C, p.Gln168His (NM_001003652.4); c.414G>C, p.Gln138His (NM_001135937.3); short protein forms Q138H, Q168H.
Identifiers: ClinVar variation 3958338 (VCV003958338.1).

ClinVar aggregate classification (germline): Uncertain significance (1 of 4 stars; one submission).

Conditions:
Inborn genetic diseases. Identifiers: MedGen C0950123, MeSH D030342.

Submission:

Ambry Genetics
Classification: Uncertain significance for Inborn genetic diseases. Last evaluated: 2025-03-23. Review status: criteria provided, single submitter. Criteria: Ambry Variant Classification Scheme 2023. Collection method: clinical testing. Allele origin: germline.
Comment: The p.Q168H variant (also known as c.504G>C), located in coding exon 3 of the SMAD2 gene, results from a G to C substitution at nucleotide position 504. The glutamine at codon 168 is replaced by histidine, an amino acid with highly similar properties. This amino acid position is conserved. In addition, this alteration is predicted to be tolerated by in silico analysis. Based on the available evidence, the clinical significance of this variant remains unclear.